The following is an entry in ClinVar:

NM_000020.3(ACVRL1):c.1070A>C (p.Gln357Pro)

Gene: ACVRL1 (activin A receptor like type 1; plus strand). Cytogenetic location: 12q13.13.
Variant type: single nucleotide variant.
Coding change: c.1070A>C on transcript NM_000020.3 (MANE Select); coding-DNA position 1070, A replaced by C.
Protein change: p.Gln357Pro; replaces glutamine 357 with proline.
Molecular consequence: missense variant. On other transcripts: intron variant (1).
Genome position (GRCh38, 1-based): chr12:51,916,057, A>C. VCF-style: chr12-51916057-A-C. GRCh37 (hg19) VCF-style: chr12-52309841-A-C.
Other names: c.1070A>C, p.Gln357Pro (NM_001077401.2, NM_001406487.1, NM_001406488.1 and 1 more transcripts); c.758A>C, p.Gln253Pro (NM_001406490.1, NM_001406491.1, NM_001406492.1 and 1 more transcripts); c.506A>C, p.Gln169Pro (NM_001406495.1); c.736+557A>C (NM_001406494.1); short protein forms Q169P, Q253P, Q357P.
Identifiers: ClinVar variation 4072514 (VCV004072514.1).

ClinVar aggregate classification (germline): Uncertain significance (1 of 4 stars; one submission).

Submission:

GeneDx
Classification: Uncertain significance. Last evaluated: 2025-01-15. Review status: criteria provided, single submitter. Criteria: GeneDx Variant Classification Process June 2021. Collection method: clinical testing. Allele origin: germline. Affected: yes.
Comment: Not observed at significant frequency in large population cohorts (gnomAD); In silico analysis supports that this missense variant has a deleterious effect on protein structure/function; Has not been previously published as pathogenic or benign to our knowledge